The following is an entry in ClinVar:

NM_000188.3(HK1):c.1119C>G (p.His373Gln)

Gene: HK1 (hexokinase 1; plus strand). Cytogenetic location: 10q22.1.
Variant type: single nucleotide variant.
Coding change: c.1119C>G on transcript NM_000188.3 (MANE Select); coding-DNA position 1119, C replaced by G.
Protein change: p.His373Gln; replaces histidine 373 with glutamine.
Molecular consequence: missense variant.
Genome position (GRCh38, 1-based): chr10:69,379,949, C>G. VCF-style: chr10-69379949-C-G. GRCh37 (hg19) VCF-style: chr10-71139705-C-G.
Other names: c.1131C>G, p.His377Gln (NM_001322364.2, NM_001358263.1, NM_033497.3 and 1 more transcripts); c.1224C>G, p.His408Gln (NM_001322365.2); c.1035C>G, p.His345Gln (NM_001322366.1); c.1023C>G, p.His341Gln (NM_001322367.1); c.1116C>G, p.His372Gln (NM_033496.3); c.1083C>G, p.His361Gln (NM_033500.2); short protein forms H345Q, H361Q, H373Q, H341Q, H372Q, H377Q, H408Q.
Identifiers: ClinVar variation 2111286 (VCV002111286.6), dbSNP rs538951044, ClinGen allele CA376917390.
Genomic context (GRCh38, chr10:69,379,949, plus strand): 5'-AGAAATCCTGACCCGCCTGGGAGTGGAGCCGTCCGATGATGACTGTGTCTCAGTCCAGCA[C>G]GTTTGCACCATTGTCTCATTTCGCTCAGCCAACTTGGTGGCTGCCACACTGGGCGCCATC-3'
Protein context (NP_000179.2, residues 363-383): PSDDDCVSVQ[His373Gln]VCTIVSFRSA

ClinVar aggregate classification (germline): Uncertain significance. Review status: criteria provided, multiple submitters, no conflicts (2 of 4 stars). 2 submissions from 2 submitters: Uncertain significance (2). Last evaluated 2025-08-21.

gnomAD v4.1: 1 of 1,614,198 alleles (0.000062%); highest among the groups gnomAD compares: Non-Finnish European, 0.000085%; no homozygotes.

Submissions (2):

Dasa
Classification: Uncertain significance. Last evaluated: 2025-08-21. Review status: criteria provided, single submitter. Criteria: DASA Assertion Criteria. Collection method: clinical testing. Allele origin: germline.
Comment: NM_000188.3(HK1):c.1119C>G (p.His373Gln) is a missense variant that results in the substitution of histidine with glutamine. This variant is rare in population databases. The currently available literature and clinical evidence are not sufficient to establish a definitive association between this variant and the reported condition. Therefore, this variant is classified as a variant of uncertain significance.

Labcorp Genetics (formerly Invitae), Labcorp
Classification: Uncertain significance. Last evaluated: 2022-08-11. Review status: criteria provided, single submitter. Criteria: Invitae Variant Classification Sherloc (09022015). Collection method: clinical testing. Allele origin: germline.
Comment: In summary, the available evidence is currently insufficient to determine the role of this variant in disease. Therefore, it has been classified as a Variant of Uncertain Significance. Algorithms developed to predict the effect of sequence changes on RNA splicing suggest that this variant may create or strengthen a splice site. Algorithms developed to predict the effect of missense changes on protein structure and function are either unavailable or do not agree on the potential impact of this missense change (SIFT: "Deleterious"; PolyPhen-2: "Benign"; Align-GVGD: "Class C0"). This variant has not been reported in the literature in individuals affected with HK1-related conditions. This variant is not present in population databases (gnomAD no frequency). This sequence change replaces histidine, which is basic and polar, with glutamine, which is neutral and polar, at codon 373 of the HK1 protein (p.His373Gln).